The following is an entry in ClinVar:

ClinVar aggregate classification (germline): Pathogenic (1 of 4 stars; one submission).

Conditions:
Ornithine aminotransferase deficiency (GACR). Also called: HYPERORNITHINEMIA WITH GYRATE ATROPHY OF CHOROID AND RETINA; OAT DEFICIENCY; OKT DEFICIENCY; Ornithine ketoacid aminotransferase deficiency; Gyrate atrophy; Gyrate atrophy of choroid and retina. Identifiers: Orphanet 414, MedGen C0018425, MONDO:0009796, OMIM 258870.

Submission:

Myriad Genetics, Inc.
Classification: Pathogenic for Ornithine aminotransferase deficiency. Last evaluated: 2024-05-14. Review status: criteria provided, single submitter. Criteria: Myriad Autosomal Dominant, Autosomal Recessive and X-Linked Classification Criteria (2023). Collection method: clinical testing. Allele origin: unknown.
Comment: NM_000274.3(OAT):c.505_506delAA(K169Dfs*11) is expected to be pathogenic in the context of ornithine aminotransferase deficiency. This variant is predicted to lead to an abnormal or absent protein product due to the creation of a premature termination codon in OAT, a gene where loss-of-function variants are known to be pathogenic. Please note: this variant was assessed in the context of healthy population screening.

NM_000274.4(OAT):c.505_506del (p.Lys169fs)

Gene: OAT (ornithine aminotransferase; minus strand). Cytogenetic location: 10q26.13.
Variant type: Deletion.
Coding change: c.505_506del on transcript NM_000274.4 (MANE Select); coding-DNA positions 505 to 506, 2 bases deleted (AA; older notation c.505_506delAA).
Protein change: p.Lys169fs; shifts the reading frame from lysine 169.
Molecular consequence: frameshift variant. On other transcripts: 5 prime UTR variant (1), intron variant (1).
Genome position (GRCh38, 1-based): chr10:124,408,556-124,408,557, TT deleted on the plus strand (AA on the coding strand, the reverse complement: OAT is on the minus strand); deleting any 2 consecutive bases within chr10:124,408,556-124,408,558 gives the same sequence; the c. name uses the placement nearest the transcript's 3' end. VCF-style (leftmost placement, unchanged base first): chr10-124408555-CTT-C. GRCh37 (hg19) VCF-style: chr10-126097124-CTT-C.
Other names: c.91_92del, p.Lys31fs (NM_001171814.2); c.505_506del, p.Lys169fs (NM_001322965.2, NM_001322966.2, NM_001322967.2 and 3 more transcripts); c.-210_-209del (NM_001322974.2); c.200-2994_200-2993del (NM_001322971.2); short protein forms K169fs, K31fs.
Identifiers: ClinVar variation 5012162 (VCV005012162.1).